The following is an entry in ClinVar:

NM_001366385.1(CARD14):c.2503del (p.Arg835fs)

Genes: SGSH (N-sulfoglucosamine sulfohydrolase; minus strand), CARD14 (caspase recruitment domain family member 14; plus strand), LOC126862662 (MED14-independent group 3 enhancer GRCh37_chr17:78178385-78179584; plus strand). Cytogenetic location: 17q25.3.
Variant type: Deletion.
Coding change: c.2503del on transcript NM_001366385.1 (MANE Select); coding-DNA position 2503, one base deleted (A; older notation c.2503delA).
Protein change: p.Arg835fs; shifts the reading frame from arginine 835.
Molecular consequence: frameshift variant. On other transcripts: non-coding transcript variant (1).
Genome position (GRCh38, 1-based): chr17:80,205,139, A deleted. VCF-style (leftmost placement, unchanged base first): chr17-80205138-CA-C. GRCh37 (hg19) VCF-style: chr17-78178937-CA-C.
Other names: c.2503del, p.Arg835fs (NM_024110.4); short protein forms R835fs.
Identifiers: ClinVar variation 2932079 (VCV002932079.3), dbSNP rs1174334676, ClinGen allele CA775529285.
Genomic context (GRCh38, chr17:80,205,138, plus strand): 5'-GCCCTATACCCTGGTGCGGCCCCATCGACCCGCCCGGCCCCGGCCTGTGCTCCTCGTGCC[CA>C]GGGCGGTTGGGAAGATCCTGAGCGAGAAACTGTGCCTCCTCCAAGGGTTTAAGAAGTGCC-3'

ClinVar aggregate classification (germline): Uncertain significance (1 of 4 stars; one submission).

Conditions:
Pityriasis rubra pilaris (PRP). Also called: Pityriasis rubra pilaris--familial type. Identifiers: Orphanet 2897, MedGen C0032027, MONDO:0100017, OMIM 173200, MONDO:0008251.
Psoriasis 2. Identifiers: MedGen C1864497, MONDO:0011269, OMIM 602723.

Allele frequency attached by ClinVar (database versions not stated): TOPMed below 0.00001; gnomAD 0.00001.

Submission:

Labcorp Genetics (formerly Invitae), Labcorp
Classification: Uncertain significance for Pityriasis rubra pilaris; Psoriasis 2. Last evaluated: 2023-01-26. Review status: criteria provided, single submitter. Criteria: Invitae Variant Classification Sherloc (09022015). Collection method: clinical testing. Allele origin: germline.
Comment: This sequence change creates a premature translational stop signal (p.Arg835Glyfs*7) in the CARD14 gene. It is expected to result in an absent or disrupted protein product. However, the current clinical and genetic evidence is not sufficient to establish whether loss-of-function variants in CARD14 cause disease. This variant is not present in population databases (gnomAD no frequency). This variant has not been reported in the literature in individuals affected with CARD14-related conditions. In summary, the available evidence is currently insufficient to determine the role of this variant in disease. Therefore, it has been classified as a Variant of Uncertain Significance.